The following is an entry in ClinVar:

ClinVar aggregate classification (germline): Uncertain significance (1 of 4 stars; one submission).

Conditions:
Neurofibromatosis, type 1 (NF1). Also called: VON RECKLINGHAUSEN DISEASE; NEUROFIBROMATOSIS, TYPE I, SOMATIC; Peripheral type neurofibromatosis; Neurofibromatosis, type I. Identifiers: Orphanet 636, MedGen C0027831, MONDO:0018975, OMIM 162200. Disease mechanism: loss of function.

Submission:

Labcorp Genetics (formerly Invitae), Labcorp
Classification: Uncertain significance for Neurofibromatosis, type 1. Last evaluated: 2018-12-24. Review status: criteria provided, single submitter. Criteria: Invitae Variant Classification Sherloc (09022015). Collection method: clinical testing. Allele origin: germline.
Comment: This variant is not present in population databases (ExAC no frequency). In summary, the available evidence is currently insufficient to determine the role of this variant in disease. Therefore, it has been classified as a Variant of Uncertain Significance. Algorithms developed to predict the effect of missense changes on protein structure and function are either unavailable or do not agree on the potential impact of this missense change (SIFT: "Tolerated"; PolyPhen-2: "Possibly Damaging"; Align-GVGD: "Class C0"). This variant has not been reported in the literature in individuals with NF1-related conditions. This sequence change replaces methionine with lysine at codon 1050 of the NF1 protein (p.Met1050Lys). The methionine residue is moderately conserved and there is a moderate physicochemical difference between methionine and lysine.

NM_001042492.3(NF1):c.3149T>A (p.Met1050Lys)

Gene: NF1 (neurofibromin 1; plus strand). Cytogenetic location: 17q11.2.
Variant type: single nucleotide variant.
Coding change: c.3149T>A on transcript NM_001042492.3 (MANE Select); coding-DNA position 3149, T replaced by A.
Protein change: p.Met1050Lys; replaces methionine 1050 with lysine.
Molecular consequence: missense variant.
Genome position (GRCh38, 1-based): chr17:31,230,877, T>A. VCF-style: chr17-31230877-T-A. GRCh37 (hg19) VCF-style: chr17-29557895-T-A.
Other names: c.3149T>A, p.Met1050Lys (NM_000267.4); short protein forms M1050K.
Identifiers: ClinVar variation 665339 (VCV000665339.5), dbSNP rs1597717585, ClinGen allele CA398988020.
Genomic context (GRCh38, chr17:31,230,877, plus strand): 5'-TTCTCTTTTCTCCACCATTCTATAGGAATAAGATGGTAGAATACCTGACAGACTGGGTTA[T>A]GGGAACATCAAACCAAGCAGCAGATGATGATGTAAAATGTCTTACAAGGTAAAAAAAGAA-3'
Protein context (NP_001035957.1, residues 1040-1060): KMVEYLTDWV[Met1050Lys]GTSNQAADDD